The following is an entry in ClinVar:

ClinVar aggregate classification (germline): Uncertain significance (1 of 4 stars; one submission).

Conditions:
ABCB4-related disorder. Also called: ABCB4-related disorders; ABCB4-related condition.

gnomAD v4.1: 3 of 1,614,088 alleles (0.00019%); highest among the groups gnomAD compares: East Asian, 0.0022%; no homozygotes.

Submission:

PreventionGenetics, part of Exact Sciences
Classification: Uncertain significance for ABCB4-related condition. Last evaluated: 2024-11-13. Review status: criteria provided, single submitter. Criteria: ACMG Guidelines, 2015. Collection method: clinical testing. Allele origin: germline.
Comment: The ABCB4 c.2193A>G variant is predicted to result in the amino acid substitution p.Ile731Met. To our knowledge, this variant has not been reported in the literature or in a large population database (gnomAD), indicating this variant is rare. At this time, the clinical significance of this variant is uncertain due to the absence of conclusive functional and genetic evidence.

NM_000443.4(ABCB4):c.2193A>G (p.Ile731Met)

Gene: ABCB4 (ATP binding cassette subfamily B member 4; minus strand). Cytogenetic location: 7q21.12.
Variant type: single nucleotide variant.
Coding change: c.2193A>G on transcript NM_000443.4 (MANE Select); coding-DNA position 2193, A replaced by G.
Protein change: p.Ile731Met; replaces isoleucine 731 with methionine.
Molecular consequence: missense variant.
Genome position (GRCh38, 1-based): chr7:87,423,924, T>C on the plus strand (A>G on the coding strand, the complement: ABCB4 is on the minus strand). VCF-style: chr7-87423924-T-C. GRCh37 (hg19) VCF-style: chr7-87053240-T-C.
Other names: c.2193A>G, p.Ile731Met (NM_018849.3, NM_018850.3); short protein forms I731M.
Identifiers: ClinVar variation 4990276 (VCV004990276.1).